The following is an entry in ClinVar:

NM_001369.3(DNAH5):c.11705del (p.Lys3902fs)

Gene: DNAH5 (dynein axonemal heavy chain 5; minus strand). Cytogenetic location: 5p15.2.
Variant type: Deletion.
Coding change: c.11705del on transcript NM_001369.3 (MANE Select); coding-DNA position 11705, one base deleted (A; older notation c.11705delA).
Protein change: p.Lys3902fs; shifts the reading frame from lysine 3902.
Molecular consequence: frameshift variant.
Genome position (GRCh38, 1-based): chr5:13,735,187, T deleted on the plus strand (A on the coding strand, the reverse complement: DNAH5 is on the minus strand); the first of 3 consecutive T bases (chr5:13,735,187-13,735,189); deleting any one gives the same sequence. VCF-style (leftmost placement, unchanged base first): chr5-13735186-CT-C. GRCh37 (hg19) VCF-style: chr5-13735295-CT-C.
Other names: short protein forms K3902fs.
Identifiers: ClinVar variation 1725171 (VCV001725171.2), dbSNP rs2546560897, ClinGen allele CA2580071989.

ClinVar aggregate classification (germline): Likely pathogenic (1 of 4 stars; one submission).

Conditions:
Primary ciliary dyskinesia 3. Identifiers: Orphanet 244, MedGen C1837618, MONDO:0012085, OMIM 608644.

Submission:

Myriad Genetics, Inc.
Classification: Likely pathogenic for Primary ciliary dyskinesia 3. Last evaluated: 2022-03-11. Review status: criteria provided, single submitter. Criteria: Myriad Women's Health Autosomal Recessive and X-Linked Classification Criteria (2021). Collection method: clinical testing. Allele origin: unknown.
Comment: NM_001369.2(DNAH5):c.11705delA(K3902Rfs*24) is expected to be pathogenic in the context of DNAH5-related primary ciliary dyskinesia. This variant is predicted to lead to an abnormal or absent protein product due to the creation of a premature termination codon in DNAH5, a gene where loss-of-function variants are known to be pathogenic. Please note: this variant was assessed in the context of healthy population screening.